The following is an entry in ClinVar:

NM_002206.3(ITGA7):c.1771G>A (p.Val591Met)

Gene: ITGA7 (integrin subunit alpha 7; minus strand). Cytogenetic location: 12q13.2.
Variant type: single nucleotide variant.
Coding change: c.1771G>A on transcript NM_002206.3 (MANE Select); coding-DNA position 1771, G replaced by A.
Protein change: p.Val591Met; replaces valine 591 with methionine.
Molecular consequence: missense variant.
Genome position (GRCh38, 1-based): chr12:55,696,399, C>T on the plus strand (G>A on the coding strand, the complement: ITGA7 is on the minus strand). VCF-style: chr12-55696399-C-T. GRCh37 (hg19) VCF-style: chr12-56090183-C-T.
Other names: c.1783G>A, p.Val595Met (NM_001144996.2); c.1492G>A, p.Val498Met (NM_001144997.2); c.1444G>A, p.Val482Met (NM_001367993.1); c.427G>A, p.Val143Met (NM_001367994.1); c.1753G>A, p.Val585Met (NM_001374465.1); c.1903G>A, p.Val635Met (NM_001410977.1); c.1765G>A, p.Val589Met (NM_001414029.1); c.1696G>A, p.Val566Met (NM_001414030.1); and 5 more; short protein forms V591M, V498M, V595M, V143M, V482M, V585M, V635M, V551M.
Identifiers: ClinVar variation 194205 (VCV000194205.14), dbSNP rs774213412, ClinGen allele CA240070.

ClinVar aggregate classification (germline): Uncertain significance. Review status: criteria provided, multiple submitters, no conflicts (2 of 4 stars). 3 submissions from 3 submitters: Uncertain significance (3). Last evaluated 2022-12-21.

Conditions:
Congenital muscular dystrophy due to integrin alpha-7 deficiency. Also called: MYOPATHY, CONGENITAL, DUE TO INTEGRIN ALPHA-7 DEFICIENCY; Congenital muscular dystrophy with integrin alpha-7 deficiency; Muscular dystrophy, congenital, due to ITGA7 deficiency. Identifiers: Orphanet 34520, MedGen C2750786, MONDO:0013177, OMIM 613204.

Allele frequency attached by ClinVar (database versions not stated): gnomAD 0.00001; gnomAD exomes 0.00002; TOPMed 0.00002; ExAC 0.00006.
gnomAD v4.1: 27 of 1,601,116 alleles (0.0017%); highest among the groups gnomAD compares: Non-Finnish European, 0.0022%; no homozygotes.

Submissions (3):

Revvity Omics, Revvity
Classification: Uncertain significance for Congenital muscular dystrophy due to integrin alpha-7 deficiency. Last evaluated: 2022-12-21. Review status: criteria provided, single submitter. Criteria: ACMG Guidelines, 2015. Collection method: clinical testing. Allele origin: germline.

Labcorp Genetics (formerly Invitae), Labcorp
Classification: Uncertain significance for Congenital muscular dystrophy due to integrin alpha-7 deficiency. Last evaluated: 2017-06-07. Review status: criteria provided, single submitter. Criteria: Invitae Variant Classification Sherloc (09022015). Collection method: clinical testing. Allele origin: germline.
Comment: In summary, this variant has uncertain impact on ITGA7 function. The available evidence is currently insufficient to determine its role in disease. Therefore, it has been classified as a Variant of Uncertain Significance. Algorithms developed to predict the effect of missense changes on protein structure and function do not agree on the potential impact of this missense change (SIFT: "Tolerated"; PolyPhen-2: "Possibly Damaging"; Align-GVGD: "Class C0"). This sequence change replaces valine with methionine at codon 591 of the ITGA7 protein (p.Val591Met). The valine residue is moderately conserved and there is a small physicochemical difference between valine and methionine. This variant is present in population databases (rs774213412, ExAC 0.01%). This variant has not been reported in the literature in individuals with a ITGA7-related disease. ClinVar contains an entry for this variant (Variation ID: 194205).

Eurofins Ntd Llc (ga)
Classification: Uncertain significance. Last evaluated: 2015-02-16. Review status: criteria provided, single submitter. Criteria: EGL Classification Definitions 2015. Collection method: clinical testing. Allele origin: germline. Observed: 1 variant allele, 1 heterozygote.